The following is an entry in ClinVar:

ClinVar aggregate classification (germline): Uncertain significance (1 of 4 stars; one submission).

Submission:

GeneDx
Classification: Uncertain significance. Last evaluated: 2023-12-14. Review status: criteria provided, single submitter. Criteria: GeneDx Variant Classification Process June 2021. Collection method: clinical testing. Allele origin: germline. Affected: yes.
Comment: Not observed at significant frequency in large population cohorts (gnomAD); In silico analysis supports that this missense variant has a deleterious effect on protein structure/function; Has not been previously published as pathogenic or benign to our knowledge

NM_181332.3(NLGN4X):c.901G>T (p.Ala301Ser)

Gene: NLGN4X (neuroligin 4 X-linked; minus strand). Cytogenetic location: Xp22.32.
Variant type: single nucleotide variant.
Coding change: c.901G>T on transcript NM_181332.3 (MANE Select); coding-DNA position 901, G replaced by T.
Protein change: p.Ala301Ser; replaces alanine 301 with serine.
Molecular consequence: missense variant.
Genome position (GRCh38, 1-based): chrX:5,903,777, C>A on the plus strand (G>T on the coding strand, the complement: NLGN4X is on the minus strand). VCF-style: chrX-5903777-C-A. GRCh37 (hg19) VCF-style: chrX-5821818-C-A.
Other names: c.901G>T, p.Ala301Ser (NM_001282145.2, NM_001282146.2, NM_020742.4); short protein forms A301S.
Identifiers: ClinVar variation 3365636 (VCV003365636.1).